The following is an entry in ClinVar:

ClinVar aggregate classification (germline): Uncertain significance. Review status: criteria provided, multiple submitters, no conflicts (2 of 4 stars). 2 submissions from 2 submitters: Uncertain significance (2). Last evaluated 2026-01-08.

Conditions:
TNFRSF6B-related disorder. Also called: TNFRSF6B-related condition.

Allele frequency attached by ClinVar (database versions not stated): gnomAD exomes 0.00001; TOPMed 0.00002.

Submissions (2):

Labcorp Genetics (formerly Invitae), Labcorp
Classification: Uncertain significance. Last evaluated: 2026-01-08. Review status: criteria provided, single submitter. Criteria: Invitae Variant Classification Sherloc (09022015). Collection method: clinical testing. Allele origin: germline.
Comment: This sequence change replaces arginine, which is basic and polar, with cysteine, which is neutral and slightly polar, at codon 76 of the TNFRSF6B protein (p.Arg76Cys). This variant is present in population databases (no rsID available, gnomAD 0.003%). This variant has not been reported in the literature in individuals affected with TNFRSF6B-related conditions. ClinVar contains an entry for this variant (Variation ID: 1447851). An algorithm developed to predict the effect of missense changes on protein structure and function (PolyPhen-2) suggests that this variant is likely to be disruptive. In summary, the available evidence is currently insufficient to determine the role of this variant in disease. Therefore, it has been classified as a Variant of Uncertain Significance.

PreventionGenetics, part of Exact Sciences
Classification: Uncertain significance for TNFRSF6B-related condition. Last evaluated: 2023-09-19. Review status: criteria provided, single submitter. Criteria: ACMG Guidelines, 2015. Collection method: clinical testing. Allele origin: germline.
Comment: The TNFRSF6B c.226C>T variant is predicted to result in the amino acid substitution p.Arg76Cys. To our knowledge, this variant has not been reported in the literature. This variant is reported in 0.0066% of alleles in individuals of African descent in gnomAD. At this time, the clinical significance of this variant is uncertain due to the absence of conclusive functional and genetic evidence.

NM_003823.4(TNFRSF6B):c.226C>T (p.Arg76Cys)

Genes: RTEL1-TNFRSF6B (RTEL1-TNFRSF6B readthrough (NMD candidate); plus strand), TNFRSF6B (TNF receptor superfamily member 6b; plus strand). Cytogenetic location: 20q13.33.
Variant type: single nucleotide variant.
Coding change: c.226C>T on transcript NM_003823.4 (MANE Select); coding-DNA position 226, C replaced by T.
Protein change: p.Arg76Cys; replaces arginine 76 with cysteine.
Molecular consequence: missense variant. On other transcripts: non-coding transcript variant (1).
Genome position (GRCh38, 1-based): chr20:63,696,993, C>T. VCF-style: chr20-63696993-C-T. GRCh37 (hg19) VCF-style: chr20-62328346-C-T.
Other names: c.226C>T (NM_003823.3); short protein forms R76C.
Identifiers: ClinVar variation 1447851 (VCV001447851.6), dbSNP rs1299161540, ClinGen allele CA409710996.